The following is an entry in ClinVar:

ClinVar aggregate classification (germline): Uncertain significance (1 of 4 stars; one submission).

Submission:

Labcorp Genetics (formerly Invitae), Labcorp
Classification: Uncertain significance. Last evaluated: 2020-11-12. Review status: criteria provided, single submitter. Criteria: Invitae Variant Classification Sherloc (09022015). Collection method: clinical testing. Allele origin: germline.
Comment: In summary, the available evidence is currently insufficient to determine the role of this variant in disease. Therefore, it has been classified as a Variant of Uncertain Significance. Experimental studies and prediction algorithms are not available or were not evaluated, and the functional significance of this variant is currently unknown. This variant has not been reported in the literature in individuals with NLRP1-related conditions. This variant results in a copy number gain of the genomic region encompassing exon(s) 3 of the NLRP1 gene. While the exact position of this variant cannot be determined from the data, sub-genic copy number gains are generally in tandem (PMID: 25640679). This variant is predicted to be in-frame, and likely preserves the integrity of the reading frame.

Literature cited by the submitters: PubMed 25640679.

NC_000017.10:g.(?_5485159)_(5485402_?)dup

Gene: NLRP1 (NLR family pyrin domain containing 1; minus strand). Cytogenetic location: 17p13.2.
Variant type: Duplication.
Identifiers: ClinVar variation 1376644 (VCV001376644.4).